The following is an entry in ClinVar:

ClinVar aggregate classification (germline): Uncertain significance. Review status: criteria provided, multiple submitters, no conflicts (2 of 4 stars). 2 submissions from 2 submitters: Uncertain significance (2). Last evaluated 2025-02-08.

Conditions:
Hereditary cancer-predisposing syndrome. Also called: Neoplastic Syndromes, Hereditary; Tumor predisposition; Hereditary Cancer Syndrome; Hereditary neoplastic syndrome. Identifiers: Orphanet 140162, MedGen C0027672, MeSH D009386, MONDO:0015356.
Familial cancer of breast. Also called: BREAST CANCER, FAMILIAL; Hereditary breast cancer; hereditary breast carcinoma. Identifiers: Orphanet 227535, MedGen C0346153, MONDO:0016419, OMIM 114480. Disease mechanism: loss of function.

Submissions (2):

Labcorp Genetics (formerly Invitae), Labcorp
Classification: Uncertain significance for Familial cancer of breast. Last evaluated: 2025-02-08. Review status: criteria provided, single submitter. Criteria: Invitae Variant Classification Sherloc (09022015). Collection method: clinical testing. Allele origin: germline.
Comment: This sequence change replaces threonine, which is neutral and polar, with arginine, which is basic and polar, at codon 133 of the CHEK2 protein (p.Thr133Arg). This variant is not present in population databases (gnomAD no frequency). This variant has not been reported in the literature in individuals affected with CHEK2-related conditions. ClinVar contains an entry for this variant (Variation ID: 1736756). An algorithm developed to predict the effect of missense changes on protein structure and function (PolyPhen-2) suggests that this variant is likely to be disruptive. In summary, the available evidence is currently insufficient to determine the role of this variant in disease. Therefore, it has been classified as a Variant of Uncertain Significance.

Ambry Genetics
Classification: Uncertain significance for Hereditary cancer-predisposing syndrome. Last evaluated: 2022-09-08. Review status: criteria provided, single submitter. Criteria: Ambry Variant Classification Scheme 2023. Collection method: clinical testing. Allele origin: germline.
Comment: The p.T133R variant (also known as c.398C>G), located in coding exon 2 of the CHEK2 gene, results from a C to G substitution at nucleotide position 398. The threonine at codon 133 is replaced by arginine, an amino acid with similar properties. This amino acid position is conserved. In addition, this alteration is predicted to be deleterious by in silico analysis. Since supporting evidence is limited at this time, the clinical significance of this alteration remains unclear.

NM_007194.4(CHEK2):c.398C>G (p.Thr133Arg)

Gene: CHEK2 (checkpoint kinase 2; minus strand). Cytogenetic location: 22q12.1.
Variant type: single nucleotide variant.
Coding change: c.398C>G on transcript NM_007194.4 (MANE Select); coding-DNA position 398, C replaced by G.
Protein change: p.Thr133Arg; replaces threonine 133 with arginine.
Molecular consequence: missense variant.
Genome position (GRCh38, 1-based): chr22:28,725,289, G>C on the plus strand (C>G on the coding strand, the complement: CHEK2 is on the minus strand). VCF-style: chr22-28725289-G-C. GRCh37 (hg19) VCF-style: chr22-29121277-G-C.
Other names: c.527C>G, p.Thr176Arg (NM_001005735.3); c.-380C>G (NM_001257387.3); c.398C>G, p.Thr133Arg (NM_001349956.3, NM_145862.3); short protein forms T176R, T133R.
Identifiers: ClinVar variation 1736756 (VCV001736756.7), dbSNP rs1346472987, ClinGen allele CA411108017.